The following is an entry in ClinVar:

ClinVar aggregate classification (germline): Uncertain significance (1 of 4 stars; one submission).

Allele frequency attached by ClinVar (database versions not stated): gnomAD exomes below 0.00001; ExAC 0.00001.

Submission:

Labcorp Genetics (formerly Invitae), Labcorp
Classification: Uncertain significance. Last evaluated: 2022-07-19. Review status: criteria provided, single submitter. Criteria: Invitae Variant Classification Sherloc (09022015). Collection method: clinical testing. Allele origin: germline.
Comment: In summary, the available evidence is currently insufficient to determine the role of this variant in disease. Therefore, it has been classified as a Variant of Uncertain Significance. Algorithms developed to predict the effect of missense changes on protein structure and function are either unavailable or do not agree on the potential impact of this missense change (SIFT: "Tolerated"; PolyPhen-2: "Probably Damaging"; Align-GVGD: "Class C0"). This variant has not been reported in the literature in individuals affected with SNRNP200-related conditions. This variant is present in population databases (rs775059624, gnomAD 0.006%). This sequence change replaces threonine, which is neutral and polar, with methionine, which is neutral and non-polar, at codon 1912 of the SNRNP200 protein (p.Thr1912Met).

NM_014014.5(SNRNP200):c.5735C>T (p.Thr1912Met)

Gene: SNRNP200 (small nuclear ribonucleoprotein U5 subunit 200; minus strand). Cytogenetic location: 2q11.2.
Variant type: single nucleotide variant.
Coding change: c.5735C>T on transcript NM_014014.5 (MANE Select); coding-DNA position 5735, C replaced by T.
Protein change: p.Thr1912Met; replaces threonine 1912 with methionine.
Molecular consequence: missense variant.
Genome position (GRCh38, 1-based): chr2:96,277,826, G>A on the plus strand (C>T on the coding strand, the complement: SNRNP200 is on the minus strand). VCF-style: chr2-96277826-G-A. GRCh37 (hg19) VCF-style: chr2-96943564-G-A.
Other names: short protein forms T1912M.
Identifiers: ClinVar variation 1950857 (VCV001950857.5), dbSNP rs775059624, ClinGen allele CA1777908.
Genomic context (GRCh38, chr2:96,277,826, plus strand): 5'-TAGAGCACCACTGACCCCTCTGCCCCACACCCACACTCTACCTTACTAAGGATTTCCTCC[G>A]TATCTGACTGCAACTCAGCACTCAGCTGCATGCGAGACAAGTGAGCCTGCAGGAGCAGGT-3'
Protein context (NP_054733.2, residues 1902-1922): MQLSAELQSD[Thr1912Met]EEILSKAIRL